The following is an entry in ClinVar:

ClinVar aggregate classification (germline): Uncertain significance (1 of 4 stars; one submission).

Conditions:
Hypertrophic cardiomyopathy. Also called: HYPERTROPHIC MYOCARDIOPATHY. Identifiers: Orphanet 217569, MedGen C0007194, MeSH D002312, MONDO:0005045, HP:0001639.

Submission:

Labcorp Genetics (formerly Invitae), Labcorp
Classification: Uncertain significance for Hypertrophic cardiomyopathy. Last evaluated: 2025-08-11. Review status: criteria provided, single submitter. Criteria: Invitae Variant Classification Sherloc (09022015). Collection method: clinical testing. Allele origin: germline.
Comment: This sequence change replaces glutamine, which is neutral and polar, with histidine, which is basic and polar, at codon 914 of the MYH7 protein (p.Gln914His). This variant is not present in population databases (gnomAD no frequency). This missense change has been observed in individual(s) with hypertrophic cardiomyopathy (PMID: 25611685, 27532257, 37652022). Invitae Evidence Modeling of protein sequence and biophysical properties (such as structural, functional, and spatial information, amino acid conservation, physicochemical variation, residue mobility, and thermodynamic stability) indicates that this missense variant is expected to disrupt MYH7 protein function with a positive predictive value of 95%. In summary, the available evidence is currently insufficient to determine the role of this variant in disease. Therefore, it has been classified as a Variant of Uncertain Significance.

Literature cited by the submitters: PubMed 25611685; PubMed 27532257; PubMed 37652022.

NM_000257.4(MYH7):c.2742G>C (p.Gln914His)

Gene: MYH7 (myosin heavy chain 7; minus strand). Cytogenetic location: 14q11.2.
Variant type: single nucleotide variant.
Coding change: c.2742G>C on transcript NM_000257.4 (MANE Select); coding-DNA position 2742, G replaced by C.
Protein change: p.Gln914His; replaces glutamine 914 with histidine.
Molecular consequence: missense variant.
Genome position (GRCh38, 1-based): chr14:23,424,087, C>G on the plus strand (G>C on the coding strand, the complement: MYH7 is on the minus strand). VCF-style: chr14-23424087-C-G. GRCh37 (hg19) VCF-style: chr14-23893296-C-G.
Other names: c.2742G>C, p.Gln914His (NM_001407004.1); short protein forms Q914H.
Identifiers: ClinVar variation 4761287 (VCV004761287.1).
Genomic context (GRCh38, chr14:23,424,087, plus strand): 5'-AGCATTCATCTCCTCCTCATCCTCCAGCCTCTCGTTCATCTCCTTCACCTTGGCCTCCAG[C>G]TGAATCTTGTTTTTGATCAGCTGATCACAGCGCTCCTCAGCATCTGCCAGGTTGTCTTGT-3'
Protein context (NP_000248.2, residues 904-924): RCDQLIKNKI[Gln914His]LEAKVKEMNE